The following is an entry in ClinVar:

NM_001267550.2(TTN):c.77493G>A (p.Trp25831Ter)

Genes: TTN-AS1 (TTN antisense RNA 1; plus strand), TTN (titin; minus strand). Cytogenetic location: 2q31.2.
Variant type: single nucleotide variant.
Coding change: c.77493G>A on transcript NM_001267550.2 (MANE Select); coding-DNA position 77493, G replaced by A.
Protein change: p.Trp25831Ter; replaces tryptophan 25831 with a stop codon.
Molecular consequence: nonsense.
Genome position (GRCh38, 1-based): chr2:178,568,639, C>T on the plus strand (G>A on the coding strand, the complement: TTN is on the minus strand). VCF-style: chr2-178568639-C-T. GRCh37 (hg19) VCF-style: chr2-179433366-C-T.
Other names: c.72570G>A, p.Trp24190Ter (NM_001256850.1); c.50298G>A, p.Trp16766Ter (NM_003319.4); c.69789G>A, p.Trp23263Ter (NM_133378.4); c.50673G>A, p.Trp16891Ter (NM_133432.3); c.50874G>A, p.Trp16958Ter (NM_133437.4); short protein forms W16766*, W16891*, W16958*, W23263*, W24190*, W25831*.
Identifiers: ClinVar variation 1701920 (VCV001701920.5), dbSNP rs760625258, ClinGen allele CA1989764.

ClinVar aggregate classification (germline): Likely pathogenic. Review status: criteria provided, multiple submitters, no conflicts (2 of 4 stars). 2 submissions from 2 submitters: Likely pathogenic (2). Last evaluated 2019-01-14.

Conditions:
Desmin-related myofibrillar myopathy (MFM1). Also called: Desmin related myopathy (former name); Desmin storage myopathy (former name); Myofibrillar myopathy 1; Desminopathy; MYOFIBRILLAR MYOPATHY WITH ARRHYTHMOGENIC RIGHT VENTRICULAR CARDIOMYOPATHY; DESMIN-RELATED MYOPATHY WITH ARRHYTHMOGENIC RIGHT VENTRICULAR CARDIOMYOPATHY. Identifiers: Orphanet 363543, Orphanet 98909, MedGen C1832370, MONDO:0011076, OMIM 601419.
Cardiovascular phenotype. Identifiers: MedGen CN230736.

Allele frequency attached by ClinVar (database versions not stated): gnomAD exomes below 0.00001; ExAC 0.00001.

Submissions (2):

Ambry Genetics
Classification: Likely pathogenic for Cardiovascular phenotype. Last evaluated: 2019-01-14. Review status: criteria provided, single submitter. Criteria: Ambry Variant Classification Scheme 2023. Collection method: clinical testing. Allele origin: germline.
Comment: The p.W16766* variant (also known as c.50298G>A), located in coding exon 153 of the TTN gene, results from a G to A substitution at nucleotide position 50298. This changes the amino acid from a tryptophan to a stop codon within coding exon 153. This exon is located in the A-band region of the N2-B isoform of the titin protein and is constitutively expressed in TTN transcripts (percent spliced in or PSI 100%). While truncating variants in TTN are present in 1-3% of the general population, truncating variants in the A-band are the most common cause of dilated cardiomyopathy (DCM) (Herman DS et al. N. Engl. J. Med. 2012 Feb;366:619-28; Roberts AM et al. Sci Transl Med. 2015 Jan;7:270ra6). TTN truncating variants encoded in constitutive exons (PSI >90%) have been found to be significantly associated with DCM regardless of their position in titin (Schafer S et al. Nat. Genet. 2017 Jan;49:46-53). This alteration is expected to result in loss of function by premature protein truncation or nonsense-mediated mRNA decay. As such, this alteration is classified as likely pathogenic.

Arcensus
Classification: Likely pathogenic for Desmin-related myofibrillar myopathy. Last evaluated: 2013-02-01. Review status: criteria provided, single submitter. Criteria: ACMG Guidelines, 2015. Collection method: clinical testing. Allele origin: germline. Affected: yes.